The following is an entry in ClinVar:

NM_000179.3(MSH6):c.1673T>G (p.Val558Gly)

Gene: MSH6 (mutS homolog 6; plus strand). Cytogenetic location: 2p16.3.
Variant type: single nucleotide variant.
Coding change: c.1673T>G on transcript NM_000179.3 (MANE Select); coding-DNA position 1673, T replaced by G.
Protein change: p.Val558Gly; replaces valine 558 with glycine.
Molecular consequence: missense variant.
Genome position (GRCh38, 1-based): chr2:47,799,656, T>G. VCF-style: chr2-47799656-T-G. GRCh37 (hg19) VCF-style: chr2-48026795-T-G.
Other names: c.1283T>G, p.Val428Gly (NM_001281492.2); c.767T>G, p.Val256Gly (NM_001281493.2, NM_001281494.2, NM_001406811.1 and 6 more transcripts); c.1769T>G, p.Val590Gly (NM_001406795.1, NM_001406802.1); c.1673T>G, p.Val558Gly (NM_001406796.1, NM_001406798.1, NM_001406800.1 and 3 more transcripts); c.1376T>G, p.Val459Gly (NM_001406797.1, NM_001406801.1, NM_001406805.1 and 10 more transcripts); c.1148T>G, p.Val383Gly (NM_001406799.1, NM_001406806.1, NM_001406807.1); c.1595T>G, p.Val532Gly (NM_001406804.1); c.1679T>G, p.Val560Gly (NM_001406813.1); and 1 more; short protein forms V256G, V383G, V502G, V558G, V590G, V428G, V560G, V459G.
Identifiers: ClinVar variation 1777752 (VCV001777752.2), dbSNP rs587782284, ClinGen allele CA346747417.
Genomic context (GRCh38, chr2:47,799,656, plus strand): 5'-ATCTTCTTAGCCTCAAAGAAAAAGAGGAAGATTCTTCTGGCCATACTCGTGCATATGGTG[T>G]GTGCTTTGTTGATACTTCACTGGGAAAGTTTTTCATAGGTCAGTTTTCAGATGATCGCCA-3'
Protein context (NP_000170.1, residues 548-568): DSSGHTRAYG[Val558Gly]CFVDTSLGKF

ClinVar aggregate classification (germline): Uncertain significance (1 of 4 stars; one submission).

Conditions:
Hereditary cancer-predisposing syndrome. Also called: Neoplastic Syndromes, Hereditary; Tumor predisposition; Hereditary Cancer Syndrome; Hereditary neoplastic syndrome. Identifiers: Orphanet 140162, MedGen C0027672, MeSH D009386, MONDO:0015356.

Submission:

Ambry Genetics
Classification: Uncertain significance for Hereditary cancer-predisposing syndrome. Last evaluated: 2019-03-01. Review status: criteria provided, single submitter. Criteria: Ambry Variant Classification Scheme 2023. Collection method: clinical testing. Allele origin: germline.
Comment: The p.V558G variant (also known as c.1673T>G), located in coding exon 4 of the MSH6 gene, results from a T to G substitution at nucleotide position 1673. The valine at codon 558 is replaced by glycine, an amino acid with dissimilar properties. This amino acid position is highly conserved in available vertebrate species. In addition, this alteration is predicted to be deleterious by in silico analysis. In addition, the CoDP in silico tool predicts this alteration to likely impair molecular function, with a score of 0.987 (Terui H et al. J. Biomed. Sci. 2013 Apr;20:25). Since supporting evidence is limited at this time, the clinical significance of this alteration remains unclear.